The following is an entry in ClinVar:

ClinVar aggregate classification (germline): Likely benign. Review status: criteria provided, multiple submitters, no conflicts (2 of 4 stars). 2 submissions from 2 submitters: Likely benign (2). Last evaluated 2025-07-28.

Conditions:
GREB1L-related disorder. Also called: GREB1L-related condition.

gnomAD v4.1: 23 of 1,551,708 alleles (0.0015%); highest among the groups gnomAD compares: Admixed American, 0.012%; no homozygotes.

Submissions (2):

Labcorp Genetics (formerly Invitae), Labcorp
Classification: Likely benign. Last evaluated: 2025-07-28. Review status: criteria provided, single submitter. Criteria: Invitae Variant Classification Sherloc (09022015). Collection method: clinical testing. Allele origin: germline.

PreventionGenetics, part of Exact Sciences
Classification: Likely benign for GREB1L-related condition. Last evaluated: 2025-03-31. Review status: criteria provided, single submitter. Criteria: ACMG Guidelines, 2015. Collection method: clinical testing. Allele origin: germline.
Comment: This variant is classified as likely benign based on ACMG/AMP sequence variant interpretation guidelines (Richards et al. 2015 PMID: 25741868, with internal and published modifications).

NM_001142966.3(GREB1L):c.2904G>A (p.Ala968=)

Gene: GREB1L (GREB1 like retinoic acid receptor coactivator; plus strand). Cytogenetic location: 18q11.1.
Variant type: single nucleotide variant.
Coding change: c.2904G>A on transcript NM_001142966.3 (MANE Select); coding-DNA position 2904, G replaced by A.
Protein change: p.Ala968=; no amino-acid change (alanine 968 retained).
Molecular consequence: synonymous variant.
Genome position (GRCh38, 1-based): chr18:21,490,225, G>A. VCF-style: chr18-21490225-G-A. GRCh37 (hg19) VCF-style: chr18-19070186-G-A.
Other names: c.2904G>A (NM_001142966.1); c.3033G>A, p.Ala1011= (NM_001410867.1); c.2577G>A, p.Ala859= (NM_001410868.1).
Identifiers: ClinVar variation 3711372 (VCV003711372.3).